The following is an entry in ClinVar:

ClinVar aggregate classification (germline): Uncertain significance (1 of 4 stars; one submission).

Conditions:
Hereditary cancer-predisposing syndrome. Also called: Hereditary Cancer Syndrome; Neoplastic Syndromes, Hereditary; Tumor predisposition; Hereditary neoplastic syndrome. Identifiers: Orphanet 140162, MedGen C0027672, MeSH D009386, MONDO:0015356.

Submission:

Color Diagnostics, LLC DBA Color Health
Classification: Uncertain significance for Hereditary cancer-predisposing syndrome. Last evaluated: 2023-12-05. Review status: criteria provided, single submitter. Criteria: ACMG Guidelines, 2015. Collection method: clinical testing. Allele origin: germline.
Comment: This missense variant replaces isoleucine with asparagine at codon 651 of the BRIP1 protein. Computational prediction is inconclusive regarding the impact of this variant on protein structure and function (internally defined REVEL score threshold 0.5 < inconclusive < 0.7, PMID: 27666373). To our knowledge, functional studies have not been reported for this variant. This variant has not been reported in individuals affected with BRIP1-related disorders in the literature. This variant has not been identified in the general population by the Genome Aggregation Database (gnomAD). The available evidence is insufficient to determine the role of this variant in disease conclusively. Therefore, this variant is classified as a Variant of Uncertain Significance.

NM_032043.3(BRIP1):c.1952T>A (p.Ile651Asn)

Gene: BRIP1 (BRCA1 interacting DNA helicase 1; minus strand). Cytogenetic location: 17q23.2.
Variant type: single nucleotide variant.
Coding change: c.1952T>A on transcript NM_032043.3 (MANE Select); coding-DNA position 1952, T replaced by A.
Protein change: p.Ile651Asn; replaces isoleucine 651 with asparagine.
Molecular consequence: missense variant.
Genome position (GRCh38, 1-based): chr17:61,776,546, A>T on the plus strand (T>A on the coding strand, the complement: BRIP1 is on the minus strand). VCF-style: chr17-61776546-A-T. GRCh37 (hg19) VCF-style: chr17-59853907-A-T.
Other names: short protein forms I651N.
Identifiers: ClinVar variation 489818 (VCV000489818.6), dbSNP rs757305097, ClinGen allele CA400478598.